The following is an entry in ClinVar:

ClinVar aggregate classification (germline): Uncertain significance. Review status: criteria provided, multiple submitters, no conflicts (2 of 4 stars). 4 submissions from 4 submitters: Uncertain significance (2). 2 of the submissions do not count toward it. Last evaluated 2026-01-19.

Conditions:
BBS1-related disorder. Also called: BBS1-related condition.
Bardet-Biedl syndrome 1 (BBS1). Identifiers: MedGen C2936862, MONDO:0008854, OMIM 209900. Disease mechanism: loss of function.
Bardet-Biedl syndrome (BBS). Identifiers: Orphanet 110, MedGen C0752166, MONDO:0015229.

Allele frequency attached by ClinVar (database versions not stated): gnomAD 0.00001; gnomAD exomes 0.00002; ExAC 0.00001; TOPMed 0.00002.
gnomAD v4.1: 9 of 1,613,902 alleles (0.00056%); highest among the groups gnomAD compares: Admixed American, 0.015%; no homozygotes.

Submissions (4):

Labcorp Genetics (formerly Invitae), Labcorp
Classification: Uncertain significance for Bardet-Biedl syndrome. Last evaluated: 2026-01-19. Review status: criteria provided, single submitter. Criteria: Invitae Variant Classification Sherloc (09022015). Collection method: clinical testing. Allele origin: germline.
Comment: This sequence change replaces aspartic acid, which is acidic and polar, with tyrosine, which is neutral and polar, at codon 562 of the BBS1 protein (p.Asp562Tyr). This variant is present in population databases (rs768098877, gnomAD 0.01%). This variant has not been reported in the literature in individuals affected with BBS1-related conditions. ClinVar contains an entry for this variant (Variation ID: 434482). Invitae Evidence Modeling of protein sequence and biophysical properties (such as structural, functional, and spatial information, amino acid conservation, physicochemical variation, residue mobility, and thermodynamic stability) indicates that this missense variant is expected to disrupt BBS1 protein function with a positive predictive value of 95%. In summary, the available evidence is currently insufficient to determine the role of this variant in disease. Therefore, it has been classified as a Variant of Uncertain Significance.

Genetic Services Laboratory, University of Chicago
Classification: Uncertain significance. Last evaluated: 2015-11-06. Review status: criteria provided, single submitter. Criteria: ACMG Guidelines, 2015. Collection method: clinical testing. Allele origin: germline. Affected: no.

PreventionGenetics, part of Exact Sciences
Classification: Uncertain significance for BBS1-related condition. Last evaluated: 2024-07-29. Review status: no assertion criteria provided. Collection method: clinical testing. Allele origin: germline. Not counted in ClinVar's aggregate classification.
Comment: The BBS1 c.1684G>T variant is predicted to result in the amino acid substitution p.Asp562Tyr. To our knowledge, this variant has not been reported in the literature. This variant is reported in 0.014% of alleles in individuals of Latino descent in gnomAD. At this time, the clinical significance of this variant is uncertain due to the absence of conclusive functional and genetic evidence.

Natera, Inc.
Classification: Uncertain significance for Bardet-Biedl syndrome type 1. Last evaluated: 2021-04-21. Review status: no assertion criteria provided. Collection method: clinical testing. Allele origin: germline. Not counted in ClinVar's aggregate classification.

NM_024649.5(BBS1):c.1684G>T (p.Asp562Tyr)

Genes: BBS1 (Bardet-Biedl syndrome 1; plus strand), ZDHHC24 (zDHHC palmitoyltransferase 24; minus strand). Cytogenetic location: 11q13.2.
Variant type: single nucleotide variant.
Coding change: c.1684G>T on transcript NM_024649.5 (MANE Select); coding-DNA position 1684, G replaced by T.
Protein change: p.Asp562Tyr; replaces aspartic acid 562 with tyrosine.
Molecular consequence: missense variant. On other transcripts: intron variant (1).
Genome position (GRCh38, 1-based): chr11:66,531,731, G>T. VCF-style: chr11-66531731-G-T. GRCh37 (hg19) VCF-style: chr11-66299202-G-T.
Other names: c.560-2243C>A (NM_001348571.2); short protein forms D562Y.
Identifiers: ClinVar variation 434482 (VCV000434482.15), dbSNP rs768098877, ClinGen allele CA6123855.